The following is an entry in ClinVar:

ClinVar aggregate classification (germline): Uncertain significance (1 of 4 stars; one submission).

Conditions:
Cardiovascular phenotype. Identifiers: MedGen CN230736.

Submission:

Ambry Genetics
Classification: Uncertain significance for Cardiovascular phenotype. Last evaluated: 2024-12-17. Review status: criteria provided, single submitter. Criteria: Ambry Variant Classification Scheme 2023. Collection method: clinical testing. Allele origin: germline.
Comment: The p.G606A variant (also known as c.1817G>C), located in coding exon 10 of the JUP gene, results from a G to C substitution at nucleotide position 1817. The glycine at codon 606 is replaced by alanine, an amino acid with similar properties. This amino acid position is conserved. In addition, the in silico prediction for this alteration is inconclusive. Based on the available evidence, the clinical significance of this variant remains unclear.

NM_002230.4(JUP):c.1817G>C (p.Gly606Ala)

Gene: JUP (junction plakoglobin; minus strand). Cytogenetic location: 17q21.2.
Variant type: single nucleotide variant.
Coding change: c.1817G>C on transcript NM_002230.4 (MANE Select); coding-DNA position 1817, G replaced by C.
Protein change: p.Gly606Ala; replaces glycine 606 with alanine.
Molecular consequence: missense variant.
Genome position (GRCh38, 1-based): chr17:41,757,741, C>G on the plus strand (G>C on the coding strand, the complement: JUP is on the minus strand). VCF-style: chr17-41757741-C-G. GRCh37 (hg19) VCF-style: chr17-39913993-C-G.
Other names: c.1817G>C, p.Gly606Ala (NM_001352773.2, NM_001352774.2, NM_001352775.2 and 3 more transcripts); short protein forms G606A.
Identifiers: ClinVar variation 3862357 (VCV003862357.1).